The following is an entry in ClinVar:

ClinVar aggregate classification (germline): Likely benign (1 of 4 stars; one submission).

Allele frequency attached by ClinVar (database versions not stated): ExAC 0.00010.

Submission:

CeGaT Center for Human Genetics Tuebingen
Classification: Likely benign. Last evaluated: 2023-03-01. Review status: criteria provided, single submitter. Criteria: CeGaT Center For Human Genetics Tuebingen Variant Classification Criteria Version 2. Collection method: clinical testing. Allele origin: germline. Affected: yes. Observed: 1 variant allele.
Comment: KMT2B: BP4, BP7

NM_014727.3(KMT2B):c.1245A>C (p.Pro415=)

Gene: KMT2B (lysine methyltransferase 2B; plus strand). Cytogenetic location: 19q13.12.
Variant type: single nucleotide variant.
Coding change: c.1245A>C on transcript NM_014727.3 (MANE Select); coding-DNA position 1245, A replaced by C.
Protein change: p.Pro415=; no amino-acid change (proline 415 retained).
Molecular consequence: synonymous variant.
Genome position (GRCh38, 1-based): chr19:35,720,592, A>C. VCF-style: chr19-35720592-A-C. GRCh37 (hg19) VCF-style: chr19-36211494-A-C.
Identifiers: ClinVar variation 2498772 (VCV002498772.28), dbSNP rs767848450, ClinGen allele CA9384198.